The following is an entry in ClinVar:

ClinVar aggregate classification (germline): Uncertain significance (1 of 4 stars; one submission).

Conditions:
Myopathy, centronuclear, 2 (CNM2). Also called: MYOTUBULAR MYOPATHY, AUTOSOMAL RECESSIVE. Identifiers: Orphanet 169186, MedGen CN031787, MONDO:0009709, OMIM 255200.

Submission:

Labcorp Genetics (formerly Invitae), Labcorp
Classification: Uncertain significance for Myopathy, centronuclear, 2. Last evaluated: 2023-04-01. Review status: criteria provided, single submitter. Criteria: Invitae Variant Classification Sherloc (09022015). Collection method: clinical testing. Allele origin: germline.
Comment: In summary, the available evidence is currently insufficient to determine the role of this variant in disease. Therefore, it has been classified as a Variant of Uncertain Significance. Variants that disrupt the consensus splice site are a relatively common cause of aberrant splicing (PMID: 17576681, 9536098). Algorithms developed to predict the effect of sequence changes on RNA splicing suggest that this variant may disrupt the consensus splice site. This variant has not been reported in the literature in individuals affected with BIN1-related conditions. This variant is not present in population databases (gnomAD no frequency). This sequence change falls in intron 18 of the BIN1 gene. It does not directly change the encoded amino acid sequence of the BIN1 protein. It affects a nucleotide within the consensus splice site.

Literature cited by the submitters: PubMed 17576681; PubMed 9536098.

NM_139343.3(BIN1):c.1675-2A>G

Gene: BIN1 (bridging integrator 1; minus strand). Cytogenetic location: 2q14.3.
Variant type: single nucleotide variant.
Coding change: c.1675-2A>G on transcript NM_139343.3 (MANE Select); the canonical splice acceptor site of the intron before coding-DNA position 1675, A replaced by G.
Molecular consequence: splice acceptor variant.
Genome position (GRCh38, 1-based): chr2:127,048,635, T>C on the plus strand (A>G on the coding strand, the complement: BIN1 is on the minus strand). VCF-style: chr2-127048635-T-C. GRCh37 (hg19) VCF-style: chr2-127806211-T-C.
Other names: c.1594-2A>G (NM_001320642.1); c.1051-2A>G (NM_001320634.1); c.1123-2A>G (NM_139351.3); c.1213-2A>G (NM_139350.3); c.1321-2A>G (NM_139349.3); c.1342-2A>G (NM_139348.3); c.1450-2A>G (NM_139347.3); c.1582-2A>G (NM_001320641.2); and 7 more.
Identifiers: ClinVar variation 3006048 (VCV003006048.3), dbSNP rs2467133153, ClinGen allele CA348373762.